The following is an entry in ClinVar:

NM_000382.3(ALDH3A2):c.857G>A (p.Arg286His)

Gene: ALDH3A2 (aldehyde dehydrogenase 3 family member A2; plus strand). Cytogenetic location: 17p11.2.
Variant type: single nucleotide variant.
Coding change: c.857G>A on transcript NM_000382.3 (MANE Select); coding-DNA position 857, G replaced by A.
Protein change: p.Arg286His; replaces arginine 286 with histidine.
Molecular consequence: missense variant.
Genome position (GRCh38, 1-based): chr17:19,661,185, G>A. VCF-style: chr17-19661185-G-A. GRCh37 (hg19) VCF-style: chr17-19564498-G-A.
Other names: c.857G>A, p.Arg286His (NM_001031806.2, NM_001369136.1, NM_001369137.2 and 3 more transcripts); c.278G>A, p.Arg93His (NM_001369148.2); short protein forms R93H, R286H.
Identifiers: ClinVar variation 2053523 (VCV002053523.1), dbSNP rs774431593, ClinGen allele CA8442932.

ClinVar aggregate classification (germline): Uncertain significance (1 of 4 stars; one submission).

Allele frequency attached by ClinVar (database versions not stated): ExAC 0.00001; gnomAD 0.00002; TOPMed 0.00002; gnomAD exomes 0.00003.

Submission:

Labcorp Genetics (formerly Invitae), Labcorp
Classification: Uncertain significance. Last evaluated: 2022-08-10. Review status: criteria provided, single submitter. Criteria: Invitae Variant Classification Sherloc (09022015). Collection method: clinical testing. Allele origin: germline.
Comment: This sequence change replaces arginine, which is basic and polar, with histidine, which is basic and polar, at codon 286 of the ALDH3A2 protein (p.Arg286His). This variant is present in population databases (rs774431593, gnomAD 0.01%). This variant has not been reported in the literature in individuals affected with ALDH3A2-related conditions. Advanced modeling of protein sequence and biophysical properties (such as structural, functional, and spatial information, amino acid conservation, physicochemical variation, residue mobility, and thermodynamic stability) performed at Invitae indicates that this missense variant is not expected to disrupt ALDH3A2 protein function. In summary, the available evidence is currently insufficient to determine the role of this variant in disease. Therefore, it has been classified as a Variant of Uncertain Significance.